The following is an entry in ClinVar:

ClinVar aggregate classification (germline): Uncertain significance (1 of 4 stars; one submission).

Conditions:
Cerebrooculofacioskeletal syndrome 1 (COFS1). Also called: Cerebro-oculo-facio-skeletal syndrome 1. Identifiers: MedGen C0220722, MONDO:0008955, OMIM 214150.

Allele frequency attached by ClinVar (database versions not stated): gnomAD exomes 0.00001 and 0.00002; TOPMed 0.00002; ExAC 0.00003; gnomAD 0.00003; ESP Exome Variant Server 0.00008.
gnomAD v4.1: 24 of 1,614,064 alleles (0.0015%); highest among the groups gnomAD compares: Non-Finnish European, 0.0019%; no homozygotes.

Submission:

Centre for Mendelian Genomics, University Medical Centre Ljubljana
Classification: Uncertain significance for Cerebrooculofacioskeletal syndrome 1. Last evaluated: 2019-06-24. Review status: criteria provided, single submitter. Criteria: ACMG Guidelines, 2015. Collection method: clinical testing. Allele origin: unknown. Affected: yes.
Comment: This variant was classified as: Uncertain significance. The available evidence on this variant's pathogenicity is insufficient or conflicting. The following ACMG criteria were applied in classifying this variant: PM2,PVS1_P.

NM_170753.3(PGBD3):c.292C>T (p.Gln98Ter)

Genes: PGBD3 (piggyBac transposable element derived 3; minus strand), ERCC6 (ERCC excision repair 6, chromatin remodeling factor; minus strand). Cytogenetic location: 10q11.23.
Variant type: single nucleotide variant.
Coding change: c.292C>T on transcript NM_170753.3; coding-DNA position 292, C replaced by T.
Protein change: p.Gln98Ter; replaces glutamine 98 with a stop codon.
Molecular consequence: nonsense. On other transcripts: intron variant (2).
Genome position (GRCh38, 1-based): chr10:49,516,823, G>A on the plus strand (C>T on the coding strand, the complement: PGBD3 is on the minus strand). VCF-style: chr10-49516823-G-A. GRCh37 (hg19) VCF-style: chr10-50724869-G-A.
Other names: c.1696C>T, p.Gln566Ter (NM_001277058.2, NM_001277059.2); c.1397+7210C>T (NM_001346440.2, NM_000124.4); short protein forms Q566*, Q98*.
Identifiers: ClinVar variation 932087 (VCV000932087.3), dbSNP rs370101518, ClinGen allele CA5496262.
Genomic context (GRCh38, chr10:49,516,823, plus strand): 5'-CGGCTTTTTTCCATTTGCAAAGAATTTTTGTCATTTTCCTCCTCCTTGATGGTGGAGGTT[G>A]CTGCACAGTAAACGTAGATGGAACTTCATCAGGAGAGTCATCTTTAGGTGCGTATGAGGG-3'